The following is an entry in ClinVar:

ClinVar aggregate classification (germline): Pathogenic (1 of 4 stars; one submission).

Submission:

Labcorp Genetics (formerly Invitae), Labcorp
Classification: Pathogenic. Last evaluated: 2022-08-12. Review status: criteria provided, single submitter. Criteria: Invitae Variant Classification Sherloc (09022015). Collection method: clinical testing. Allele origin: germline.
Comment: For these reasons, this variant has been classified as Pathogenic. This variant has not been reported in the literature in individuals affected with RUNX2-related conditions. This variant is a gross deletion of the genomic region encompassing exon(s) 2-3 of the RUNX2 gene, which includes the initiator codon. This deletion extends beyond the assayed region for this gene and therefore may encompass additional genes. It is expected to result in an absent or disrupted protein product. Loss-of-function variants in RUNX2 are known to be pathogenic (PMID: 10521292, 11857736).

Literature cited by the submitters: PubMed 10521292; PubMed 11857736.

NC_000006.11:g.(?_45296464)_(45390714_?)del

Genes: RUNX2 (RUNX family transcription factor 2; plus strand), SUPT3H (SPT3 homolog, SAGA and STAGA complex component; minus strand). Cytogenetic location: 6p21.1.
Variant type: Deletion.
Identifiers: ClinVar variation 2423487 (VCV002423487.4).